The following is an entry in ClinVar:

ClinVar aggregate classification (germline): Conflicting classifications of pathogenicity. Review status: criteria provided, conflicting classifications (1 of 4 stars). 2 submissions from 2 submitters: Uncertain significance (1); Likely benign (1). Last evaluated 2025-10-07.

Conditions:
Inborn genetic diseases. Identifiers: MedGen C0950123, MeSH D030342.

Allele frequency attached by ClinVar (database versions not stated): gnomAD exomes 0.00001; TOPMed 0.00003; gnomAD 0.00004; ESP Exome Variant Server 0.00008; ExAC 0.00009.
gnomAD v4.1: 26 of 1,613,182 alleles (0.0016%); highest among the groups gnomAD compares: Non-Finnish European, 0.0022%; no homozygotes.

Submissions (2):

Ambry Genetics
Classification: Likely benign for Inborn genetic diseases. Last evaluated: 2025-10-07. Review status: criteria provided, single submitter. Criteria: Ambry Variant Classification Scheme 2023. Collection method: clinical testing. Allele origin: germline.

Labcorp Genetics (formerly Invitae), Labcorp
Classification: Uncertain significance. Last evaluated: 2023-12-06. Review status: criteria provided, single submitter. Criteria: Invitae Variant Classification Sherloc (09022015). Collection method: clinical testing. Allele origin: germline.
Comment: This sequence change replaces serine, which is neutral and polar, with leucine, which is neutral and non-polar, at codon 12 of the SETD5 protein (p.Ser12Leu). This variant is present in population databases (rs201510004, gnomAD 0.01%), and has an allele count higher than expected for a pathogenic variant. This variant has not been reported in the literature in individuals affected with SETD5-related conditions. ClinVar contains an entry for this variant (Variation ID: 1944138). Advanced modeling of protein sequence and biophysical properties (such as structural, functional, and spatial information, amino acid conservation, physicochemical variation, residue mobility, and thermodynamic stability) has been performed at Invitae for this missense variant, however the output from this modeling did not meet the statistical confidence thresholds required to predict the impact of this variant on SETD5 protein function. In summary, the available evidence is currently insufficient to determine the role of this variant in disease. Therefore, it has been classified as a Variant of Uncertain Significance.

NM_001080517.3(SETD5):c.35C>T (p.Ser12Leu)

Gene: SETD5 (SET domain containing 5; plus strand). Cytogenetic location: 3p25.3.
Variant type: single nucleotide variant.
Coding change: c.35C>T on transcript NM_001080517.3 (MANE Select); coding-DNA position 35, C replaced by T.
Protein change: p.Ser12Leu; replaces serine 12 with leucine.
Molecular consequence: missense variant. On other transcripts: 5 prime UTR variant (2).
Genome position (GRCh38, 1-based): chr3:9,428,973, C>T. VCF-style: chr3-9428973-C-T. GRCh37 (hg19) VCF-style: chr3-9470657-C-T.
Other names: c.35C>T (NM_001080517.1); c.-524C>T (NM_001292043.2); c.-565C>T (NM_001349451.2); short protein forms S12L.
Identifiers: ClinVar variation 1944138 (VCV001944138.6), dbSNP rs201510004, ClinGen allele CA2238797.
Genomic context (GRCh38, chr3:9,428,973, plus strand): 5'-TTCCAATCTCTGCTGTGTTGGACGTCATGAGCATTGCAATCCCTCTGGGAGTCACCACAT[C>T]AGATACATCCTACTCAGATATGGCTGCTGGATCAGAGTAAGTGCTACTTTCTAGGTAGTA-3'
Protein context (NP_001073986.1, residues 2-22): SIAIPLGVTT[Ser12Leu]DTSYSDMAAG